The following is an entry in ClinVar:

ClinVar aggregate classification (germline): Uncertain significance (1 of 4 stars; one submission).

Conditions:
Hereditary sensory and autonomic neuropathy type 7. Also called: Neuropathy, hereditary sensory and autonomic, type VII; HSAN VII. Identifiers: Orphanet 391397, MedGen C3809882, MONDO:0014244, OMIM 615548.
Familial episodic pain syndrome with predominantly lower limb involvement. Also called: Episodic pain syndrome, familial, 3. Identifiers: Orphanet 391384, Orphanet 391392, MedGen C3809899, MONDO:0014247, OMIM 615552.

Submission:

Labcorp Genetics (formerly Invitae), Labcorp
Classification: Uncertain significance for Familial episodic pain syndrome with predominantly lower limb involvement; Hereditary sensory and autonomic neuropathy type 7. Last evaluated: 2018-07-01. Review status: criteria provided, single submitter. Criteria: Invitae Variant Classification Sherloc (09022015). Collection method: clinical testing. Allele origin: germline.
Comment: This variant has not been reported in the literature in individuals with SCN11A-related disease. This variant is not present in population databases (ExAC no frequency). This sequence change replaces serine with phenylalanine at codon 1644 of the SCN11A protein (p.Ser1644Phe). The serine residue is highly conserved and there is a large physicochemical difference between serine and phenylalanine. Algorithms developed to predict the effect of missense changes on protein structure and function are either unavailable or do not agree on the potential impact of this missense change (SIFT: "Deleterious"; PolyPhen-2: "Probably Damaging"; Align-GVGD: "Class C15"). In summary, the available evidence is currently insufficient to determine the role of this variant in disease. Therefore, it has been classified as a Variant of Uncertain Significance.

NM_001349253.2(SCN11A):c.4931C>T (p.Ser1644Phe)

Gene: SCN11A (sodium voltage-gated channel alpha subunit 11; minus strand). Cytogenetic location: 3p22.2.
Variant type: single nucleotide variant.
Coding change: c.4931C>T on transcript NM_001349253.2 (MANE Select); coding-DNA position 4931, C replaced by T.
Protein change: p.Ser1644Phe; replaces serine 1644 with phenylalanine.
Molecular consequence: missense variant.
Genome position (GRCh38, 1-based): chr3:38,847,139, G>A on the plus strand (C>T on the coding strand, the complement: SCN11A is on the minus strand). VCF-style: chr3-38847139-G-A. GRCh37 (hg19) VCF-style: chr3-38888630-G-A.
Other names: c.4931C>T, p.Ser1644Phe (NM_014139.3); short protein forms S1644F.
Identifiers: ClinVar variation 640981 (VCV000640981.5), dbSNP rs1575200941, ClinGen allele CA352162013.